The following is an entry in ClinVar:

NM_018967.5(SNTG1):c.519C>T (p.Gly173=)

Gene: SNTG1 (syntrophin gamma 1; plus strand). Cytogenetic location: 8q11.21.
Variant type: single nucleotide variant.
Coding change: c.519C>T on transcript NM_018967.5 (MANE Select); coding-DNA position 519, C replaced by T.
Protein change: p.Gly173=; no amino-acid change (glycine 173 retained).
Molecular consequence: synonymous variant. On other transcripts: non-coding transcript variant (5).
Genome position (GRCh38, 1-based): chr8:50,530,229, C>T. VCF-style: chr8-50530229-C-T. GRCh37 (hg19) VCF-style: chr8-51442789-C-T.
Other names: c.519C>T, p.Gly173= (NM_001287813.3, NM_001287814.3, NM_001321773.2 and 4 more transcripts).
Identifiers: ClinVar variation 3905052 (VCV003905052.10).

ClinVar aggregate classification (germline): Likely benign (1 of 4 stars; one submission).

gnomAD v4.1: 577 of 1,613,794 alleles (0.036%); highest among the groups gnomAD compares: South Asian, 0.6%; 6 homozygotes.

Submission:

CeGaT Center for Human Genetics Tuebingen
Classification: Likely benign. Last evaluated: 2025-06-01. Review status: criteria provided, single submitter. Criteria: CeGaT Center For Human Genetics Tuebingen Variant Classification Criteria Version 2. Collection method: clinical testing. Allele origin: germline. Affected: yes. Observed: 1 variant allele.
Comment: SNTG1: BP4, BP7